The following is an entry in ClinVar:

NM_004963.4(GUCY2C):c.1096C>A (p.Pro366Thr)

Genes: GUCY2C (guanylate cyclase 2C; minus strand), GUCY2C-AS1 (GUCY2C antisense RNA 1; plus strand). Cytogenetic location: 12p12.3.
Variant type: single nucleotide variant.
Coding change: c.1096C>A on transcript NM_004963.4 (MANE Select); coding-DNA position 1096, C replaced by A.
Protein change: p.Pro366Thr; replaces proline 366 with threonine.
Molecular consequence: missense variant.
Genome position (GRCh38, 1-based): chr12:14,672,947, G>T on the plus strand (C>A on the coding strand, the complement: GUCY2C is on the minus strand). VCF-style: chr12-14672947-G-T. GRCh37 (hg19) VCF-style: chr12-14825881-G-T.
Other names: short protein forms P366T.
Identifiers: ClinVar variation 1719979 (VCV001719979.6), dbSNP rs2497767239, ClinGen allele CA384000274.

ClinVar aggregate classification (germline): Uncertain significance (1 of 4 stars; one submission).

Submission:

Labcorp Genetics (formerly Invitae), Labcorp
Classification: Uncertain significance. Last evaluated: 2022-09-21. Review status: criteria provided, single submitter. Criteria: Invitae Variant Classification Sherloc (09022015). Collection method: clinical testing. Allele origin: germline.
Comment: In summary, the available evidence is currently insufficient to determine the role of this variant in disease. Therefore, it has been classified as a Variant of Uncertain Significance. Advanced modeling of protein sequence and biophysical properties (such as structural, functional, and spatial information, amino acid conservation, physicochemical variation, residue mobility, and thermodynamic stability) performed at Invitae indicates that this missense variant is not expected to disrupt GUCY2C protein function. This variant has not been reported in the literature in individuals affected with GUCY2C-related conditions. This variant is not present in population databases (gnomAD no frequency). This sequence change replaces proline, which is neutral and non-polar, with threonine, which is neutral and polar, at codon 366 of the GUCY2C protein (p.Pro366Thr).